The following is an entry in ClinVar:

ClinVar aggregate classification (germline): Likely benign (1 of 4 stars; one submission).

Submission:

CeGaT Center for Human Genetics Tuebingen
Classification: Likely benign. Last evaluated: 2026-09-01. Review status: criteria provided, single submitter. Criteria: CeGaT Center For Human Genetics Tuebingen Variant Classification Criteria Version 2. Collection method: clinical testing. Allele origin: germline. Affected: yes. Observed: 17 variant alleles.
Comment: MSLNL: BP4, BP7, BS2

NC_000016.10:g.774955C>T

Variant type: single nucleotide variant.
Genome position: GRCh38 VCF-style: chr16-774955-C-T. GRCh37 (hg19) VCF-style: chr16-824955-C-T.
Identifiers: ClinVar variation 2645856 (VCV002645856.23), dbSNP rs185230383, ClinGen allele CA7792775.